The following is an entry in ClinVar:

ClinVar aggregate classification (germline): Uncertain significance. Review status: criteria provided, multiple submitters, no conflicts (2 of 4 stars). 2 submissions from 2 submitters: Uncertain significance (2). Last evaluated 2024-03-06.

Conditions:
Hereditary cancer-predisposing syndrome. Also called: Neoplastic Syndromes, Hereditary; Tumor predisposition; Hereditary Cancer Syndrome; Hereditary neoplastic syndrome. Identifiers: Orphanet 140162, MedGen C0027672, MeSH D009386, MONDO:0015356.

Submissions (2):

Color Diagnostics, LLC DBA Color Health
Classification: Uncertain significance for Hereditary cancer-predisposing syndrome. Last evaluated: 2024-03-06. Review status: criteria provided, single submitter. Criteria: ACMG Guidelines, 2015. Collection method: clinical testing. Allele origin: germline.
Comment: This missense variant replaces proline with histidine at codon 920 of the BRIP1 protein. Computational prediction suggests that this variant may not impact protein structure and function (internally defined REVEL score threshold <= 0.5, PMID: 27666373). Splice site prediction tools suggest that this variant may not impact RNA splicing. To our knowledge, functional studies have not been performed for this variant. This variant has not been reported in individuals affected with hereditary cancer in the literature. This variant has not been identified in the general population by the Genome Aggregation Database (gnomAD). The available evidence is insufficient to determine the role of this variant in disease conclusively. Therefore, this variant is classified as a Variant of Uncertain Significance.

GeneDx
Classification: Uncertain significance. Last evaluated: 2023-01-19. Review status: criteria provided, single submitter. Criteria: GeneDx Variant Classification Process June 2021. Collection method: clinical testing. Allele origin: germline. Affected: yes.
Comment: Not observed at significant frequency in large population cohorts (gnomAD); In silico analysis supports that this missense variant does not alter protein structure/function; Has not been previously published as pathogenic or benign to our knowledge; This variant is associated with the following publications: (PMID: 11301010)

NM_032043.3(BRIP1):c.2759C>A (p.Pro920His)

Gene: BRIP1 (BRCA1 interacting DNA helicase 1; minus strand). Cytogenetic location: 17q23.2.
Variant type: single nucleotide variant.
Coding change: c.2759C>A on transcript NM_032043.3 (MANE Select); coding-DNA position 2759, C replaced by A.
Protein change: p.Pro920His; replaces proline 920 with histidine.
Molecular consequence: missense variant.
Genome position (GRCh38, 1-based): chr17:61,685,982, G>T on the plus strand (C>A on the coding strand, the complement: BRIP1 is on the minus strand). VCF-style: chr17-61685982-G-T. GRCh37 (hg19) VCF-style: chr17-59763343-G-T.
Other names: short protein forms P920H.
Identifiers: ClinVar variation 920193 (VCV000920193.5), dbSNP rs2061355556, ClinGen allele CA400481590.
Genomic context (GRCh38, chr17:61,685,982, plus strand): 5'-TTTGCTTCATCTTCCACAAAATTTTCTGGTGATAGATGACTTGCTGCTTCCAGTAAATAA[G>T]GTGAGGTACTGTACTTTAAAGAGGTCACTTCAAGTGTAGACTCATTGTCCTGTATATTGG-3'
Protein context (NP_114432.2, residues 910-930): EVTSLKYSTS[Pro920His]YLLEAASHLS